The following is an entry in ClinVar:

ClinVar aggregate classification (germline): Benign. Review status: criteria provided, multiple submitters, no conflicts (2 of 4 stars). 2 submissions from 2 submitters: Benign (2). Last evaluated 2018-06-19.

Allele frequency attached by ClinVar (database versions not stated): TOPMed 0.40954; gnomAD 0.41716 and 0.42933; 1000 Genomes Project 30x 0.44675; 1000 Genomes Project 0.45587.
gnomAD v4.1: 65,288 of 151,730 alleles (43%); highest among the groups gnomAD compares: South Asian, 66%; 15,519 homozygotes.

Submissions (2):

GeneDx
Classification: Benign. Last evaluated: 2018-06-19. Review status: criteria provided, single submitter. Criteria: GeneDx Variant Classification (06012015). Collection method: clinical testing. Allele origin: germline. Affected: yes.
Comment: This variant is considered likely benign or benign based on one or more of the following criteria: it is a conservative change, it occurs at a poorly conserved position in the protein, it is predicted to be benign by multiple in silico algorithms, and/or has population frequency not consistent with disease.

Breakthrough Genomics
Classification: Benign. Review status: criteria provided, single submitter. Criteria: ACMG Guidelines, 2015. Collection method: not provided. Allele origin: germline. Inheritance: Autosomal recessive inheritance. Affected: yes.

NM_006096.4(NDRG1):c.206-264A>G

Gene: NDRG1 (N-myc downstream regulated 1; minus strand). Cytogenetic location: 8q24.22.
Variant type: single nucleotide variant.
Coding change: c.206-264A>G on transcript NM_006096.4 (MANE Select); 264 bases into the intron before coding-DNA position 206, A replaced by G.
Molecular consequence: intron variant.
Genome position (GRCh38, 1-based): chr8:133,262,431, T>C on the plus strand (A>G on the coding strand, the complement: NDRG1 is on the minus strand). VCF-style: chr8-133262431-T-C. GRCh37 (hg19) VCF-style: chr8-134274674-T-C.
Other names: c.8-264A>G (NM_001258432.2, NM_001374847.1); c.-38-264A>G (NM_001258433.2); c.206-264A>G (NM_001374844.1, NM_001135242.2, NM_001374845.1 and 1 more transcripts).
Identifiers: ClinVar variation 668752 (VCV000668752.2), dbSNP rs2272652, ClinGen allele CA15548730.